The following is an entry in ClinVar:

NM_178857.6(RP1L1):c.2465G>A (p.Arg822Gln)

Gene: RP1L1 (RP1 like 1). Cytogenetic location: 8p23.1.
Variant type: single nucleotide variant.
Coding change: c.2465G>A on transcript NM_178857.6 (MANE Select); coding-DNA position 2465, G replaced by A.
Protein change: p.Arg822Gln; replaces arginine 822 with glutamine.
Molecular consequence: missense variant.
Genome position (GRCh38, 1-based): chr8:10,611,633, C>T on the plus strand (G>A on the coding strand, the complement: RP1L1 is on the minus strand). VCF-style: chr8-10611633-C-T. GRCh37 (hg19) VCF-style: chr8-10469143-C-T.
Other names: short protein forms R822Q.
Identifiers: ClinVar variation 909416 (VCV000909416.6), dbSNP rs750002050, ClinGen allele CA4624817.

ClinVar aggregate classification (germline): Benign/Likely benign. Review status: criteria provided, multiple submitters, no conflicts (2 of 4 stars). 3 submissions from 3 submitters: Benign (1); Likely benign (2). Last evaluated 2023-10-01.

Conditions:
Occult macular dystrophy (OCMD). Also called: OCCULT MACULAR DYSTROPHY, SUSCEPTIBILITY TO; OMD. Identifiers: Orphanet 247834, MedGen C3150833, MONDO:0013316, OMIM 613587, HP:0030636.
Retinal dystrophy. Also called: Inherited retinal dystrophy. Identifiers: Orphanet 71862, MedGen C0854723, MeSH D058499, MONDO:0019118, HP:0000556.

Allele frequency attached by ClinVar (database versions not stated): gnomAD 0.00003 and 0.00004; TOPMed 0.00005; ExAC 0.00011; gnomAD exomes 0.00011.
gnomAD v4.1: 47 of 1,612,614 alleles (0.0029%); highest among the groups gnomAD compares: Admixed American, 0.033%; no homozygotes.

Submissions (3):

Dept Of Ophthalmology, Nagoya University
Classification: Likely benign for Retinal dystrophy. Last evaluated: 2023-10-01. Review status: criteria provided, single submitter. Criteria: Submitter's publication. Collection method: research. Allele origin: germline. Affected: yes.

Blueprint Genetics
Classification: Likely benign. Last evaluated: 2022-10-19. Review status: criteria provided, single submitter. Criteria: ACMG Guidelines, 2015. Collection method: clinical testing. Allele origin: germline.

Illumina Laboratory Services, Illumina
Classification: Benign for Occult macular dystrophy. Last evaluated: 2018-01-13. Review status: criteria provided, single submitter. Criteria: ICSL Variant Classification Criteria 13 December 2019. Collection method: clinical testing. Allele origin: germline.
Comment: This variant was observed in the ICSL laboratory as part of a predisposition screen in an ostensibly healthy population. It had not been previously curated by ICSL or reported in the Human Gene Mutation Database (HGMD: prior to June 1st, 2018), and was therefore a candidate for classification through an automated scoring system. Utilizing variant allele frequency, disease prevalence and penetrance estimates, and inheritance mode, an automated score was calculated to assess if this variant is too frequent to cause the disease. Based on the score and internal cut-off values, a variant classified as benign is not then subjected to further curation. The score for this variant resulted in a classification of benign for this disease.